The following is an entry in ClinVar:

NM_001330311.2(DVL1):c.204C>T (p.Ala68=)

Gene: DVL1 (dishevelled segment polarity protein 1; minus strand). Cytogenetic location: 1p36.33.
Variant type: single nucleotide variant.
Coding change: c.204C>T on transcript NM_001330311.2 (MANE Select); coding-DNA position 204, C replaced by T.
Protein change: p.Ala68=; no amino-acid change (alanine 68 retained).
Molecular consequence: synonymous variant.
Genome position (GRCh38, 1-based): chr1:1,342,725, G>A on the plus strand (C>T on the coding strand, the complement: DVL1 is on the minus strand). VCF-style: chr1-1342725-G-A. GRCh37 (hg19) VCF-style: chr1-1278105-G-A.
Other names: c.204C>T, p.Ala68= (NM_004421.3); c.204C>T (NM_004421.2).
Identifiers: ClinVar variation 2848263 (VCV002848263.5), dbSNP rs140797075, ClinGen allele CA16760735.

ClinVar aggregate classification (germline): Likely benign. Review status: criteria provided, single submitter (1 of 4 stars). 2 submissions from 2 submitters: Likely benign (1). 1 of the submissions does not count toward it. Last evaluated 2023-11-20.

Conditions:
DVL1-related disorder. Also called: DVL1-related condition.

Allele frequency attached by ClinVar (database versions not stated): gnomAD exomes below 0.00001; gnomAD 0.00001; TOPMed 0.00001; ESP Exome Variant Server 0.00008.
gnomAD v4.1: 3 of 1,613,002 alleles (0.00019%); highest among the groups gnomAD compares: Non-Finnish European, 0.00017%; no homozygotes.

Submissions (2):

Labcorp Genetics (formerly Invitae), Labcorp
Classification: Likely benign. Last evaluated: 2023-11-20. Review status: criteria provided, single submitter. Criteria: Invitae Variant Classification Sherloc (09022015). Collection method: clinical testing. Allele origin: germline.

PreventionGenetics, part of Exact Sciences
Classification: Likely benign for DVL1-related condition. Last evaluated: 2019-05-28. Review status: no assertion criteria provided. Collection method: clinical testing. Allele origin: germline. Not counted in ClinVar's aggregate classification.
Comment: This variant is classified as likely benign based on ACMG/AMP sequence variant interpretation guidelines (Richards et al. 2015 PMID: 25741868, with internal and published modifications).